The following is an entry in ClinVar:

NM_017654.4(SAMD9):c.4442T>C (p.Phe1481Ser)

Gene: SAMD9 (sterile alpha motif domain containing 9; minus strand). Cytogenetic location: 7q21.2.
Variant type: single nucleotide variant.
Coding change: c.4442T>C on transcript NM_017654.4 (MANE Select); coding-DNA position 4442, T replaced by C.
Protein change: p.Phe1481Ser; replaces phenylalanine 1481 with serine.
Molecular consequence: missense variant.
Genome position (GRCh38, 1-based): chr7:93,101,656, A>G on the plus strand (T>C on the coding strand, the complement: SAMD9 is on the minus strand). VCF-style: chr7-93101656-A-G. GRCh37 (hg19) VCF-style: chr7-92730969-A-G.
Other names: c.4442T>C, p.Phe1481Ser (NM_001193307.2); short protein forms F1481S.
Identifiers: ClinVar variation 5028796 (VCV005028796.1).

ClinVar aggregate classification (germline): Uncertain significance (1 of 4 stars; one submission).

Conditions:
Inborn genetic diseases. Identifiers: MedGen C0950123, MeSH D030342.

Submission:

Ambry Genetics
Classification: Uncertain significance for Inborn genetic diseases. Last evaluated: 2026-08-20. Review status: criteria provided, single submitter. Criteria: Ambry Variant Classification Scheme 2023. Collection method: clinical testing. Allele origin: germline.
Comment: The p.F1481S variant (also known as c.4442T>C), located in coding exon 1 of the SAMD9 gene, results from a T to C substitution at nucleotide position 4442. The phenylalanine at codon 1481 is replaced by serine, an amino acid with highly dissimilar properties. This amino acid position is conserved. In addition, the in silico prediction for this alteration is inconclusive. Based on the available evidence, the clinical significance of this variant remains unclear.